The following is an entry in ClinVar:

NM_000246.4(CIITA):c.1222C>T (p.Arg408Trp)

Gene: CIITA (class II major histocompatibility complex transactivator; plus strand). Cytogenetic location: 16p13.13.
Variant type: single nucleotide variant.
Coding change: c.1222C>T on transcript NM_000246.4 (MANE Select); coding-DNA position 1222, C replaced by T.
Protein change: p.Arg408Trp; replaces arginine 408 with tryptophan.
Molecular consequence: missense variant. On other transcripts: intron variant (1).
Genome position (GRCh38, 1-based): chr16:10,906,714, C>T. VCF-style: chr16-10906714-C-T. GRCh37 (hg19) VCF-style: chr16-11000571-C-T.
Other names: c.1225C>T, p.Arg409Trp (NM_001286402.1, NM_001379332.1); c.1078C>T, p.Arg360Trp (NM_001379330.1); c.1075C>T, p.Arg359Trp (NM_001379331.1); c.1222C>T, p.Arg408Trp (NM_001379333.1); c.1153C>T, p.Arg385Trp (NM_001379334.1); c.859+1902C>T (NM_001286403.2); c.1222C>T (NM_000246.3); short protein forms R408W, R360W, R359W, R409W, R385W.
Identifiers: ClinVar variation 1497463 (VCV001497463.4), dbSNP rs145508828, ClinGen allele CA7900082.

ClinVar aggregate classification (germline): Uncertain significance. Review status: criteria provided, multiple submitters, no conflicts (2 of 4 stars). 2 submissions from 2 submitters: Uncertain significance (2). Last evaluated 2023-07-25.

Conditions:
MHC class II deficiency. Also called: Bare lymphocyte syndrome 2; BLS, TYPE II. Identifiers: Orphanet 572, MedGen C5447452, MONDO:0008855.
Inborn genetic diseases. Identifiers: MedGen C0950123, MeSH D030342.

Allele frequency attached by ClinVar (database versions not stated): gnomAD exomes 0.00002 and 0.00003; ESP Exome Variant Server 0.00008.
gnomAD v4.1: 46 of 1,611,512 alleles (0.0029%); highest among the groups gnomAD compares: African/African-American, 0.025%; no homozygotes.

Submissions (2):

Ambry Genetics
Classification: Uncertain significance for Inborn genetic diseases. Last evaluated: 2023-07-25. Review status: criteria provided, single submitter. Criteria: Ambry Variant Classification Scheme 2023. Collection method: clinical testing. Allele origin: germline.

Labcorp Genetics (formerly Invitae), Labcorp
Classification: Uncertain significance for MHC class II deficiency. Last evaluated: 2021-11-27. Review status: criteria provided, single submitter. Criteria: Invitae Variant Classification Sherloc (09022015). Collection method: clinical testing. Allele origin: germline.
Comment: This sequence change replaces arginine, which is basic and polar, with tryptophan, which is neutral and slightly polar, at codon 408 of the CIITA protein (p.Arg408Trp). This variant is present in population databases (rs145508828, gnomAD 0.03%). This variant has not been reported in the literature in individuals affected with CIITA-related conditions. Algorithms developed to predict the effect of missense changes on protein structure and function are either unavailable or do not agree on the potential impact of this missense change (SIFT: "Deleterious"; PolyPhen-2: "Possibly Damaging"; Align-GVGD: "Class C0"). In summary, the available evidence is currently insufficient to determine the role of this variant in disease. Therefore, it has been classified as a Variant of Uncertain Significance.